The following is an entry in ClinVar:

ClinVar aggregate classification (germline): Conflicting classifications of pathogenicity. Review status: criteria provided, conflicting classifications (1 of 4 stars). 11 submissions from 8 submitters: Uncertain significance (4); Likely benign (7). Last evaluated 2025-12-10.

Conditions:
Cardiovascular phenotype. Identifiers: MedGen CN230736.
Cardiac arrhythmia. Also called: Cardiac rhythm disease; Arrhythmia. Identifiers: MedGen C0003811, MONDO:0007263, HP:0011675.
Long QT syndrome (LQTS). Identifiers: MedGen C0023976, MeSH D008133, MONDO:0002442. Disease mechanism: loss of function. Inheritance: Various modes of inheritance.
Long QT syndrome 1 (LQT1). Identifiers: Orphanet 101016, Orphanet 768, MedGen C4551647, MONDO:0100316, OMIM 192500, MONDO:0008646.
Jervell and Lange-Nielsen syndrome 1 (JLNS1). Also called: PROLONGED QT INTERVAL IN EKG AND SUDDEN DEATH; SURDO-CARDIAC SYNDROME; CARDIOAUDITORY SYNDROME OF JERVELL AND LANGE-NIELSEN; DEAFNESS, CONGENITAL, AND FUNCTIONAL HEART DISEASE. Identifiers: Orphanet 768, Orphanet 90647, MedGen C4551509, MONDO:0024540, OMIM 220400.
Atrial fibrillation, familial, 3 (ATFB3). Identifiers: MedGen C1837014, MONDO:0011857, OMIM 607554.
Short QT syndrome type 2. Identifiers: Orphanet 51083, MedGen C1865019, MONDO:0012313, OMIM 609621.

Allele frequency attached by ClinVar (database versions not stated): ExAC 0.00001; TOPMed 0.00003; ESP Exome Variant Server 0.00008.
gnomAD v4.1: 64 of 1,612,896 alleles (0.004%); highest among the groups gnomAD compares: Non-Finnish European, 0.0047%; no homozygotes.

Submissions (11):

Labcorp Genetics (formerly Invitae), Labcorp
Classification: Likely benign for Long QT syndrome. Last evaluated: 2025-12-10. Review status: criteria provided, single submitter. Criteria: Invitae Variant Classification Sherloc (09022015). Collection method: clinical testing. Allele origin: germline.

Blueprint Genetics
Classification: Likely benign. Last evaluated: 2024-07-02. Review status: criteria provided, single submitter. Criteria: ACMG Guidelines, 2015. Collection method: clinical testing. Allele origin: germline.

All of Us Research Program, National Institutes of Health
Classification: Likely benign for Long QT syndrome. Last evaluated: 2023-09-17. Review status: criteria provided, single submitter. Criteria: ACMG Guidelines, 2015. Collection method: clinical testing. Allele origin: germline. Inheritance: Autosomal dominant inheritance. Observed: 7 variant alleles, 7 heterozygotes.
Comment: This study involves interpretation of variants in research participants for the purpose of population health screening. Participant phenotype was not available at the time of variant classification. Additional details can be found in publication PMID: 35346344, PMCID: PMC8962531

Women's Health and Genetics/Laboratory Corporation of America, LabCorp
Classification: Likely benign. Last evaluated: 2019-08-28. Review status: criteria provided, single submitter. Criteria: LabCorp Variant Classification Summary - May 2015. Collection method: clinical testing. Allele origin: germline.

Color Diagnostics, LLC DBA Color Health
Classification: Likely benign for Arrhythmia. Last evaluated: 2019-05-04. Review status: criteria provided, single submitter. Criteria: ACMG Guidelines, 2015. Collection method: clinical testing. Allele origin: germline.

Ambry Genetics
Classification: Likely benign for Cardiovascular phenotype. Last evaluated: 2018-08-06. Review status: criteria provided, single submitter. Criteria: Ambry Variant Classification Scheme 2023. Collection method: clinical testing. Allele origin: germline.

Illumina Laboratory Services, Illumina
Classification: Uncertain significance for Long QT syndrome 1. Last evaluated: 2018-01-15. Review status: criteria provided, single submitter. Criteria: ICSL Variant Classification Criteria 13 December 2019. Collection method: clinical testing. Allele origin: germline.

Illumina Laboratory Services, Illumina
Classification: Uncertain significance for Jervell and Lange-Nielsen syndrome 1. Last evaluated: 2018-01-15. Review status: criteria provided, single submitter. Criteria: ICSL Variant Classification Criteria 13 December 2019. Collection method: clinical testing. Allele origin: germline.

Illumina Laboratory Services, Illumina
Classification: Uncertain significance for Short QT syndrome type 2. Last evaluated: 2018-01-15. Review status: criteria provided, single submitter. Criteria: ICSL Variant Classification Criteria 13 December 2019. Collection method: clinical testing. Allele origin: germline.

Illumina Laboratory Services, Illumina
Classification: Uncertain significance for Atrial fibrillation, familial, 3. Last evaluated: 2018-01-15. Review status: criteria provided, single submitter. Criteria: ICSL Variant Classification Criteria 13 December 2019. Collection method: clinical testing. Allele origin: germline.

Laboratory for Molecular Medicine, Mass General Brigham Personalized Medicine
Classification: Likely benign. Last evaluated: 2012-04-30. Review status: criteria provided, single submitter. Criteria: LMM Criteria. Collection method: clinical testing. Allele origin: germline. Observed: 1 variant allele.
Comment: Gly216Gly in Exon 04 of KCNQ1: This variant is not expected to have clinical sig nificance because it does not alter an amino acid residue, is not located within the splice consensus sequence, and has been identified in 1/7020 European Ameri can chromosomes from a broad population by the NHLBI Exome Sequencing Project (dbSNP rs146350010).

NM_000218.3(KCNQ1):c.648C>A (p.Gly216=)

Gene: KCNQ1 (potassium voltage-gated channel subfamily Q member 1; plus strand). Cytogenetic location: 11p15.5.
Variant type: single nucleotide variant.
Coding change: c.648C>A on transcript NM_000218.3 (MANE Select); coding-DNA position 648, C replaced by A.
Protein change: p.Gly216=; no amino-acid change (glycine 216 retained).
Molecular consequence: synonymous variant. On other transcripts: intron variant (1).
Genome position (GRCh38, 1-based): chr11:2,571,368, C>A. VCF-style: chr11-2571368-C-A. GRCh37 (hg19) VCF-style: chr11-2592598-C-A.
Other names: p.Gly216Gly; c.648C>A, p.Gly216= (NM_001406836.1); c.378C>A, p.Gly126= (NM_001406837.1); c.267C>A, p.Gly89= (NM_181798.2); c.478-12067C>A (NM_001406838.1).
Identifiers: ClinVar variation 413279 (VCV000413279.28), dbSNP rs146350010, ClinGen allele CA039362.